The following is an entry in ClinVar:

ClinVar aggregate classification (germline): Uncertain significance (1 of 4 stars; one submission).

Conditions:
Hereditary cancer-predisposing syndrome. Also called: Neoplastic Syndromes, Hereditary; Tumor predisposition; Hereditary Cancer Syndrome; Hereditary neoplastic syndrome. Identifiers: Orphanet 140162, MedGen C0027672, MeSH D009386, MONDO:0015356.

Submission:

Ambry Genetics
Classification: Uncertain significance for Hereditary cancer-predisposing syndrome. Last evaluated: 2021-06-16. Review status: criteria provided, single submitter. Criteria: Ambry Variant Classification Scheme 2023. Collection method: clinical testing. Allele origin: germline.
Comment: The p.P245H variant (also known as c.734C>A), located in coding exon 6 of the CDK4 gene, results from a C to A substitution at nucleotide position 734. The proline at codon 245 is replaced by histidine, an amino acid with similar properties. This amino acid position is well conserved in available vertebrate species. In addition, this alteration is predicted to be tolerated by in silico analysis. Since supporting evidence is limited at this time, the clinical significance of this alteration remains unclear.

NM_000075.4(CDK4):c.734C>A (p.Pro245His)

Genes: TSPAN31 (tetraspanin 31; plus strand), CDK4 (cyclin dependent kinase 4; minus strand). Cytogenetic location: 12q14.1.
Variant type: single nucleotide variant.
Coding change: c.734C>A on transcript NM_000075.4 (MANE Select); coding-DNA position 734, C replaced by A.
Protein change: p.Pro245His; replaces proline 245 with histidine.
Molecular consequence: missense variant. On other transcripts: 3 prime UTR variant (3).
Genome position (GRCh38, 1-based): chr12:57,749,267, G>T on the plus strand (C>A on the coding strand, the complement: CDK4 is on the minus strand). VCF-style: chr12-57749267-G-T. GRCh37 (hg19) VCF-style: chr12-58143050-G-T.
Other names: c.*1977G>T (NM_001330168.2, NM_001330169.2, NM_005981.5); short protein forms P245H.
Identifiers: ClinVar variation 1758442 (VCV001758442.2), dbSNP rs1955201842, ClinGen allele CA385543435.
Genomic context (GRCh38, chr12:57,749,267, plus strand): 5'-TCCATCTCAGGTACCACCGACTGCACTGGGCGGGGCCCTCTGGGGGGAAAGGCTCCACGG[G>T]GCAGGGATACATCTCGAGGCCAGTCATCCTCTGGAGGCAGCCCAATCAGGCTGTGGGGGA-3'
Protein context (NP_000066.1, residues 235-255): EDDWPRDVSL[Pro245His]RGAFPPRGPR